The following is an entry in ClinVar:

NM_021831.6(AGBL5):c.603_606del (p.Gly202fs)

Gene: AGBL5 (AGBL carboxypeptidase 5; plus strand). Cytogenetic location: 2p23.3.
Variant type: Microsatellite.
Coding change: c.603_606del on transcript NM_021831.6 (MANE Select); coding-DNA positions 603 to 606, 4 bases deleted (TGGA; older notation c.603_606delTGGA).
Protein change: p.Gly202fs; shifts the reading frame from glycine 202.
Molecular consequence: frameshift variant. On other transcripts: non-coding transcript variant (2).
Genome position (GRCh38, 1-based): chr2:27,054,681-27,054,684, TGGA deleted; deleting any 4 consecutive bases within chr2:27,054,677-27,054,684 gives the same sequence; the c. name uses the placement nearest the transcript's 3' end. VCF-style (leftmost placement, unchanged base first): chr2-27054676-CTGGA-C. GRCh37 (hg19) VCF-style: chr2-27277544-CTGGA-C.
Other names: c.603_606del, p.Gly202fs (NM_001035507.3); short protein forms G202fs.
Identifiers: ClinVar variation 953450 (VCV000953450.7), dbSNP rs769651565, ClinGen allele CA1567682.

ClinVar aggregate classification (germline): Pathogenic (1 of 4 stars; one submission).

Submission:

Labcorp Genetics (formerly Invitae), Labcorp
Classification: Pathogenic. Last evaluated: 2019-11-13. Review status: criteria provided, single submitter. Criteria: Invitae Variant Classification Sherloc (09022015). Collection method: clinical testing. Allele origin: germline.
Comment: For these reasons, this variant has been classified as Pathogenic. Loss-of-function variants in AGBL5 are known to be pathogenic (PMID: 27764769, 27842159). This variant has not been reported in the literature in individuals with AGBL5-related conditions. This variant is present in population databases (rs769651565, ExAC 0.002%). This sequence change creates a premature translational stop signal (p.Gly202Phefs*3) in the AGBL5 gene. It is expected to result in an absent or disrupted protein product.

Literature cited by the submitters: PubMed 27764769; PubMed 27842159.